The following is an entry in ClinVar:

ClinVar aggregate classification (germline): Uncertain significance. Review status: criteria provided, multiple submitters, no conflicts (2 of 4 stars). 2 submissions from 2 submitters: Uncertain significance (2). Last evaluated 2025-08-12.

gnomAD v4.1: 5 of 1,614,152 alleles (0.00031%); highest among the groups gnomAD compares: African/African-American, 0.0013%; no homozygotes.

Submissions (2):

Ambry Genetics
Classification: Uncertain significance. Last evaluated: 2025-08-12. Review status: criteria provided, single submitter. Criteria: Ambry Variant Classification Scheme 2023. Collection method: clinical testing. Allele origin: germline.

CeGaT Center for Human Genetics Tuebingen
Classification: Uncertain significance. Last evaluated: 2024-08-01. Review status: criteria provided, single submitter. Criteria: CeGaT Center For Human Genetics Tuebingen Variant Classification Criteria Version 2. Collection method: clinical testing. Allele origin: germline. Affected: yes. Observed: 1 variant allele.
Comment: RREB1: PM2:Supporting, BP4

NM_001003699.4(RREB1):c.58A>G (p.Met20Val)

Gene: RREB1 (ras responsive element binding protein 1; plus strand). Cytogenetic location: 6p24.3.
Variant type: single nucleotide variant.
Coding change: c.58A>G on transcript NM_001003699.4 (MANE Select); coding-DNA position 58, A replaced by G.
Protein change: p.Met20Val; replaces methionine 20 with valine.
Molecular consequence: missense variant.
Genome position (GRCh38, 1-based): chr6:7,181,969, A>G. VCF-style: chr6-7181969-A-G. GRCh37 (hg19) VCF-style: chr6-7182202-A-G.
Other names: c.58A>G, p.Met20Val (NM_001168344.2, NM_001003698.4, NM_001003700.2); c.58A>G (NM_001003699.3); short protein forms M20V.
Identifiers: ClinVar variation 3341869 (VCV003341869.17).